The following is an entry in ClinVar:

NM_000632.4(ITGAM):c.686C>T (p.Thr229Met)

Gene: ITGAM (integrin subunit alpha M; plus strand). Cytogenetic location: 16p11.2.
Variant type: single nucleotide variant.
Coding change: c.686C>T on transcript NM_000632.4 (MANE Select); coding-DNA position 686, C replaced by T.
Protein change: p.Thr229Met; replaces threonine 229 with methionine.
Molecular consequence: missense variant.
Genome position (GRCh38, 1-based): chr16:31,271,974, C>T. VCF-style: chr16-31271974-C-T. GRCh37 (hg19) VCF-style: chr16-31283295-C-T.
Other names: c.686C>T, p.Thr229Met (NM_001145808.2); short protein forms T229M.
Identifiers: ClinVar variation 1407869 (VCV001407869.8), dbSNP rs754956034, ClinGen allele CA8025298.
Genomic context (GRCh38, chr16:31,271,974, plus strand): 5'-CTAACCCAAGATCACTGGTGAAGCCAATAACGCAGCTGCTTGGGCGGACACACACGGCCA[C>T]GGGCATCCGCAAAGTGGTGTAAGCTTCCCCTTTTCCCTTAGGATGGAGGGAGGAGGAGAC-3'
Protein context (NP_000623.2, residues 219-239): TQLLGRTHTA[Thr229Met]GIRKVVRELF

ClinVar aggregate classification (germline): Uncertain significance (1 of 4 stars; one submission).

Allele frequency attached by ClinVar (database versions not stated): gnomAD exomes 0.00001 and 0.00002; ExAC 0.00002; gnomAD 0.00003; TOPMed 0.00004.
gnomAD v4.1: 21 of 1,613,836 alleles (0.0013%); highest among the groups gnomAD compares: Middle Eastern, 0.016%; no homozygotes.

Submission:

Labcorp Genetics (formerly Invitae), Labcorp
Classification: Uncertain significance. Last evaluated: 2025-12-22. Review status: criteria provided, single submitter. Criteria: Invitae Variant Classification Sherloc (09022015). Collection method: clinical testing. Allele origin: germline.
Comment: This sequence change replaces threonine, which is neutral and polar, with methionine, which is neutral and non-polar, at codon 229 of the ITGAM protein (p.Thr229Met). This variant is present in population databases (rs754956034, gnomAD 0.01%). This variant has not been reported in the literature in individuals affected with ITGAM-related conditions. ClinVar contains an entry for this variant (Variation ID: 1407869). An algorithm developed to predict the effect of missense changes on protein structure and function (PolyPhen-2) suggests that this variant is likely to be disruptive. In summary, the available evidence is currently insufficient to determine the role of this variant in disease. Therefore, it has been classified as a Variant of Uncertain Significance.